The following is an entry in ClinVar:

ClinVar aggregate classification (germline): Uncertain significance. Review status: criteria provided, multiple submitters, no conflicts (2 of 4 stars). 3 submissions from 3 submitters: Uncertain significance (3). Last evaluated 2025-07-24.

Conditions:
Inborn genetic diseases. Identifiers: MedGen C0950123, MeSH D030342.
Hyperphosphatasia with impaired intellectual development syndrome 2. Also called: Hyperphosphatasia with intellectual disability syndrome 2; GLYCOSYLPHOSPHATIDYLINOSITOL BIOSYNTHESIS DEFECT 6. Identifiers: Orphanet 247262, MedGen C3553637, MONDO:0013882, OMIM 614749.

Allele frequency attached by ClinVar (database versions not stated): gnomAD 0.00001; gnomAD exomes 0.00001 and 0.00003; TOPMed 0.00001; ExAC 0.00002.
gnomAD v4.1: 18 of 1,614,082 alleles (0.0011%); highest among the groups gnomAD compares: Admixed American, 0.012%; no homozygotes.

Submissions (3):

GeneDx
Classification: Uncertain significance. Last evaluated: 2025-07-24. Review status: criteria provided, single submitter. Criteria: GeneDx Variant Classification Process June 2021. Collection method: clinical testing. Allele origin: germline. Affected: yes.
Comment: Not observed at significant frequency in large population cohorts (gnomAD); In silico analysis suggests that this missense variant does not alter protein structure/function; Has not been previously published as pathogenic or benign to our knowledge

Ambry Genetics
Classification: Uncertain significance for Inborn genetic diseases. Last evaluated: 2023-12-16. Review status: criteria provided, single submitter. Criteria: Ambry Variant Classification Scheme 2023. Collection method: clinical testing. Allele origin: germline.

Labcorp Genetics (formerly Invitae), Labcorp
Classification: Uncertain significance for Hyperphosphatasia with impaired intellectual development syndrome 2. Last evaluated: 2021-08-24. Review status: criteria provided, single submitter. Criteria: Invitae Variant Classification Sherloc (09022015). Collection method: clinical testing. Allele origin: germline.
Comment: This sequence change replaces alanine with threonine at codon 517 of the PIGO protein (p.Ala517Thr). The alanine residue is moderately conserved and there is a small physicochemical difference between alanine and threonine. This variant is present in population databases (rs781222643, ExAC 0.003%). This variant has not been reported in the literature in individuals affected with PIGO-related conditions. Algorithms developed to predict the effect of missense changes on protein structure and function are either unavailable or do not agree on the potential impact of this missense change (SIFT: "Deleterious"; PolyPhen-2: "Benign"; Align-GVGD: "Class C0"). In summary, the available evidence is currently insufficient to determine the role of this variant in disease. Therefore, it has been classified as a Variant of Uncertain Significance.

NM_032634.4(PIGO):c.1549G>A (p.Ala517Thr)

Gene: PIGO (phosphatidylinositol glycan anchor biosynthesis class O; minus strand). Cytogenetic location: 9p13.3.
Variant type: single nucleotide variant.
Coding change: c.1549G>A on transcript NM_032634.4 (MANE Select); coding-DNA position 1549, G replaced by A.
Protein change: p.Ala517Thr; replaces alanine 517 with threonine.
Molecular consequence: missense variant. On other transcripts: intron variant (2).
Genome position (GRCh38, 1-based): chr9:35,092,338, C>T on the plus strand (G>A on the coding strand, the complement: PIGO is on the minus strand). VCF-style: chr9-35092338-C-T. GRCh37 (hg19) VCF-style: chr9-35092335-C-T.
Other names: c.1344+205G>A (NM_152850.4, NM_001201484.2); short protein forms A517T.
Identifiers: ClinVar variation 955170 (VCV000955170.9), dbSNP rs781222643, ClinGen allele CA5040614.
Genomic context (GRCh38, chr9:35,092,338, plus strand): 5'-TCTTGGACCCCCAGCCAGCCCAGGCTTTCCACAGAAAAGGGAGGAATGAGCTCACTGCAG[C>T]CACAGCCCCTAGAAGCACTAGATCTAGCTTCAGCTCAATAGTTCCCAGGAGTCCAGCATA-3'
Protein context (NP_116023.2, residues 507-527): KLDLVLLGAV[Ala517Thr]AVSSFLPFLW